The following is an entry in ClinVar:

ClinVar aggregate classification (germline): Uncertain significance (1 of 4 stars; one submission).

Conditions:
Intellectual developmental disorder with neuropsychiatric features. Identifiers: MedGen C4479636, MONDO:0044322, OMIM 617532.

gnomAD v4.1: 38 of 1,613,146 alleles (0.0024%); highest among the groups gnomAD compares: Non-Finnish European, 0.0029%; no homozygotes.

Submission:

Pittsburgh Clinical Genomics Laboratory, University of Pittsburgh Medical Center
Classification: Uncertain significance for Intellectual developmental disorder with neuropsychiatric features. Last evaluated: 2022-06-10. Review status: criteria provided, single submitter. Criteria: ACMG Guidelines, 2015. Collection method: clinical testing. Allele origin: germline. Inheritance: Autosomal recessive inheritance. Affected: yes.
Comment: This sequence variant is a single nucleotide substitution (C>T) at position 1339 of the coding sequence of the SLC45A1 gene that results in an arginine to cystine amino acid change at residue 447 of the SLC45A1 protein. This variant is not reported in online datasets of clinically annoted variants (ClinVar) and has not been observed in individuals with SLC45A1-related disorders in the published literature, to our knowledge. This variant is present in control population datasets (gnomAD database, 8 of 281,042 alleles, 0.003%). Multiple bioinformatic tools predict that this arginine to cystine amino acid change would be neutral. The Arg447 residue is poorly conserved across the vertebrate species examined and the variant amino acid is the reference residue at this position in at least 10 of the mammals examined. Studies examining the functiol consequence of this variant have not been published, to our knowledge. At this time, there is insufficient evidence to determine if this variant is pathogenic or benign. Therefore, we consider this a variant of uncertain significance. ACMG Criteria: BP4, PM2

NM_001080397.3(SLC45A1):c.1237C>T (p.Arg413Cys)

Gene: SLC45A1 (solute carrier family 45 member 1; plus strand). Cytogenetic location: 1p36.23.
Variant type: single nucleotide variant.
Coding change: c.1237C>T on transcript NM_001080397.3 (MANE Select); coding-DNA position 1237, C replaced by T.
Protein change: p.Arg413Cys; replaces arginine 413 with cysteine.
Molecular consequence: missense variant.
Genome position (GRCh38, 1-based): chr1:8,330,730, C>T. VCF-style: chr1-8330730-C-T. GRCh37 (hg19) VCF-style: chr1-8390790-C-T.
Other names: c.1237C>T, p.Arg413Cys (NM_001379614.1); c.1144C>T, p.Arg382Cys (NM_001379615.1, NM_001379616.1); c.631C>T, p.Arg211Cys (NM_001379617.1, NM_001379618.1); short protein forms R211C, R382C, R413C.
Identifiers: ClinVar variation 3376222 (VCV003376222.1).
Genomic context (GRCh38, chr1:8,330,730, plus strand): 5'-GGCAGCGTCCCCAGGCCGCCCATCAGCGTCAGCTTCCCCCGGGCCCCCGACGGCTTCTAC[C>T]GCCAGGACCGTGGACTTCTGGAGGGCAGAGAGGGTGCCCTGACCTCCGGCTGTGACGGGG-3'
Protein context (NP_001073866.3, residues 403-423): SFPRAPDGFY[Arg413Cys]QDRGLLEGRE